The following is an entry in ClinVar:

NM_144997.7(FLCN):c.1389_1390delinsTC (p.Glu464Gln)

Gene: FLCN (folliculin; minus strand). Cytogenetic location: 17p11.2.
Variant type: Indel.
Coding change: c.1389_1390delinsTC on transcript NM_144997.7 (MANE Select); coding-DNA positions 1389 to 1390, CG replaced by TC.
Protein change: p.Glu464Gln; replaces glutamic acid 464 with glutamine.
Molecular consequence: missense variant.
Genome position (GRCh38, 1-based): chr17:17,215,227-17,215,228, CG replaced by GA on the plus strand (CG replaced by TC on the coding strand, the reverse complement: FLCN is on the minus strand). VCF-style: chr17-17215227-CG-GA. GRCh37 (hg19) VCF-style: chr17-17118541-CG-GA.
Other names: c.1443_1444delinsTC, p.Glu482Gln (NM_001353229.2); c.1389_1390delinsTC, p.Glu464Gln (NM_001353230.2, NM_001353231.2); short protein forms E464Q, E482Q.
Identifiers: ClinVar variation 3654504 (VCV003654504.2).

ClinVar aggregate classification (germline): Uncertain significance (1 of 4 stars; one submission).

Conditions:
Birt-Hogg-Dube syndrome. Also called: Birt Hogg Dubé syndrome. Identifiers: Orphanet 122, MedGen C0346010, MONDO:0800444.

Submission:

Labcorp Genetics (formerly Invitae), Labcorp
Classification: Uncertain significance for Birt-Hogg-Dube syndrome. Last evaluated: 2024-05-23. Review status: criteria provided, single submitter. Criteria: Invitae Variant Classification Sherloc (09022015). Collection method: clinical testing. Allele origin: germline.
Comment: This sequence change replaces glutamic acid, which is acidic and polar, with glutamine, which is neutral and polar, at codon 464 of the FLCN protein (p.Glu464Gln). Information on the frequency of this variant in the gnomAD database is not available, as this variant may be reported differently in the database. This variant has not been reported in the literature in individuals affected with FLCN-related conditions. Experimental studies and prediction algorithms are not available or were not evaluated, and the functional significance of this variant is currently unknown. In summary, the available evidence is currently insufficient to determine the role of this variant in disease. Therefore, it has been classified as a Variant of Uncertain Significance.